The following is an entry in ClinVar:

ClinVar aggregate classification (germline): Uncertain significance (1 of 4 stars; one submission).

Conditions:
Zellweger spectrum disorders (ZS). Also called: Zellweger Spectrum Disorder; Zellweger Spectrum; Zellweger Spectrum Disorder (ZSD); Zellweger syndrome. Identifiers: Orphanet 912, MedGen C0043459, MONDO:0019609.

Submission:

Labcorp Genetics (formerly Invitae), Labcorp
Classification: Uncertain significance for Zellweger spectrum disorders. Last evaluated: 2021-12-01. Review status: criteria provided, single submitter. Criteria: Invitae Variant Classification Sherloc (09022015). Collection method: clinical testing. Allele origin: germline.
Comment: This variant, c.2854_2856del, results in the deletion of 1 amino acid(s) of the PEX1 protein (p.Asp952del), but otherwise preserves the integrity of the reading frame. This variant is present in population databases (rs762236071, gnomAD 0.0009%). This variant has not been reported in the literature in individuals affected with PEX1-related conditions. Experimental studies and prediction algorithms are not available or were not evaluated, and the functional significance of this variant is currently unknown. In summary, the available evidence is currently insufficient to determine the role of this variant in disease. Therefore, it has been classified as a Variant of Uncertain Significance.

NM_000466.3(PEX1):c.2854_2856del (p.Asp952del)

Genes: PEX1 (peroxisomal biogenesis factor 1; minus strand), GATAD1 (GATA zinc finger domain containing 1; plus strand). Cytogenetic location: 7q21.2.
Variant type: Deletion.
Coding change: c.2854_2856del on transcript NM_000466.3 (MANE Select); coding-DNA positions 2854 to 2856, 3 bases deleted (GAT; older notation c.2854_2856delGAT).
Protein change: p.Asp952del; deletes aspartic acid 952.
Molecular consequence: inframe deletion.
Genome position (GRCh38, 1-based): chr7:92,494,557-92,494,559, ATC deleted on the plus strand (GAT on the coding strand, the reverse complement: PEX1 is on the minus strand); deleting any 3 consecutive bases within chr7:92,494,557-92,494,561 gives the same sequence; the c. name uses the placement nearest the transcript's 3' end. VCF-style (leftmost placement, unchanged base first): chr7-92494556-TATC-T. GRCh37 (hg19) VCF-style: chr7-92123870-TATC-T.
Other names: c.2683_2685del, p.Asp895del (NM_001282677.2); c.2230_2232del, p.Asp744del (NM_001282678.2); short protein forms D895del, D952del, D744del.
Identifiers: ClinVar variation 1431584 (VCV001431584.3), dbSNP rs762236071, ClinGen allele CA4340989.
Genomic context (GRCh38, chr7:92,494,556, plus strand): 5'-CTTCTACTCCATCCAACTGAGTCAGCAACTGGTTAACTACTCGGTCTGTAACTCCTGTAT[TATC>T]ATGACCCCGCCGAGGAGCAATGGATTCAAATTCATCAAAGAAAAGAATGCAGGGCTTTGC-3'